The following is an entry in ClinVar:

ClinVar aggregate classification (germline): Likely benign. Review status: criteria provided, multiple submitters, no conflicts (2 of 4 stars). 2 submissions from 2 submitters: Likely benign (2). Last evaluated 2018-01-12.

Conditions:
Primary hyperoxaluria type 3. Also called: PH III. Identifiers: Orphanet 416, Orphanet 93600, MedGen C3150878, MONDO:0013327, OMIM 613616. Disease mechanism: loss of function.

Allele frequency attached by ClinVar (database versions not stated): TOPMed 0.00176; 1000 Genomes Project 30x 0.00578; 1000 Genomes Project 0.00639.
gnomAD v4.1: 261 of 170,958 alleles (0.15%); highest among the groups gnomAD compares: East Asian, 2.8%; 6 homozygotes.

Submissions (2):

Illumina Laboratory Services, Illumina
Classification: Likely benign for Primary hyperoxaluria type 3. Last evaluated: 2018-01-12. Review status: criteria provided, single submitter. Criteria: ICSL Variant Classification Criteria 13 December 2019. Collection method: clinical testing. Allele origin: germline.
Comment: This variant was observed in the ICSL laboratory as part of a predisposition screen in an ostensibly healthy population. It had not been previously curated by ICSL or reported in the Human Gene Mutation Database (HGMD: prior to June 1st, 2018), and was therefore a candidate for classification through an automated scoring system. Utilizing variant allele frequency, disease prevalence and penetrance estimates, and inheritance mode, an automated score was calculated to assess if this variant is too frequent to cause the disease. Based on the score and internal cut-off values, a variant classified as likely benign is not then subjected to further curation. The score for this variant resulted in a classification of likely benign for this disease.

Breakthrough Genomics
Classification: Likely benign. Review status: criteria provided, single submitter. Criteria: ACMG Guidelines, 2015. Collection method: not provided. Allele origin: germline. Inheritance: Autosomal recessive inheritance. Affected: yes.

NM_138413.4(HOGA1):c.*415T>A

Gene: HOGA1 (4-hydroxy-2-oxoglutarate aldolase 1; plus strand). Cytogenetic location: 10q24.2.
Variant type: single nucleotide variant.
Coding change: c.*415T>A on transcript NM_138413.4 (MANE Select); 415 bases downstream of the stop codon, T replaced by A.
Molecular consequence: 3 prime UTR variant.
Genome position (GRCh38, 1-based): chr10:97,612,074, T>A. VCF-style: chr10-97612074-T-A. GRCh37 (hg19) VCF-style: chr10-99371831-T-A.
Other names: c.*415T>A (NM_001134670.2).
Identifiers: ClinVar variation 878210 (VCV000878210.5), dbSNP rs148648470, ClinGen allele CA212684227.